The following is an entry in ClinVar:

NM_000081.4(LYST):c.9784+1G>T

Gene: LYST (lysosomal trafficking regulator; minus strand). Cytogenetic location: 1q42.3.
Variant type: single nucleotide variant.
Coding change: c.9784+1G>T on transcript NM_000081.4 (MANE Select); the canonical splice donor site of the intron after coding-DNA position 9784, G replaced by T.
Molecular consequence: splice donor variant.
Genome position (GRCh38, 1-based): chr1:235,715,200, C>A on the plus strand (G>T on the coding strand, the complement: LYST is on the minus strand). VCF-style: chr1-235715200-C-A. GRCh37 (hg19) VCF-style: chr1-235878500-C-A.
Other names: c.9784+1G>T (NM_001301365.1).
Identifiers: ClinVar variation 2676357 (VCV002676357.5), dbSNP rs1345024890, ClinGen allele CA344938913.

ClinVar aggregate classification (germline): Likely pathogenic. Review status: criteria provided, multiple submitters, no conflicts (2 of 4 stars). 2 submissions from 2 submitters: Likely pathogenic (2). Last evaluated 2025-02-12.

Conditions:
Chédiak-Higashi syndrome (CHS). Also called: Chediak-Higashi Syndrome. Identifiers: Orphanet 167, MedGen C0007965, MONDO:0008963, OMIM 214500.

Allele frequency attached by ClinVar (database versions not stated): TOPMed below 0.00001; gnomAD 0.00001.
gnomAD v4.1: 2 of 1,613,494 alleles (0.00012%); highest among the groups gnomAD compares: Admixed American, 0.0033%; no homozygotes.

Submissions (2):

Labcorp Genetics (formerly Invitae), Labcorp
Classification: Likely pathogenic for Chédiak-Higashi syndrome. Last evaluated: 2025-02-12. Review status: criteria provided, single submitter. Criteria: Invitae Variant Classification Sherloc (09022015). Collection method: clinical testing. Allele origin: germline.
Comment: This sequence change affects a donor splice site in intron 42 of the LYST gene. It is expected to disrupt RNA splicing. Variants that disrupt the donor or acceptor splice site typically lead to a loss of protein function (PMID: 16199547), and loss-of-function variants in LYST are known to be pathogenic (PMID: 9215679, 11857544). This variant is present in population databases (no rsID available, gnomAD 0.003%). This variant has not been reported in the literature in individuals affected with LYST-related conditions. ClinVar contains an entry for this variant (Variation ID: 2676357). Algorithms developed to predict the effect of sequence changes on RNA splicing suggest that this variant may disrupt the consensus splice site. In summary, the currently available evidence indicates that the variant is pathogenic, but additional data are needed to prove that conclusively. Therefore, this variant has been classified as Likely Pathogenic.

Fulgent Genetics
Classification: Likely pathogenic for Chédiak-Higashi syndrome. Last evaluated: 2024-03-16. Review status: criteria provided, single submitter. Criteria: ACMG Guidelines, 2015. Collection method: clinical testing. Allele origin: germline.

Literature cited by the submitters: PubMed 16199547 (cited by Labcorp Genetics (formerly Invitae), Labcorp); PubMed 9215679 (cited by Labcorp Genetics (formerly Invitae), Labcorp); PubMed 11857544 (cited by Labcorp Genetics (formerly Invitae), Labcorp).